The following is an entry in ClinVar:

ClinVar aggregate classification (germline): Uncertain significance. Review status: criteria provided, multiple submitters, no conflicts (2 of 4 stars). 2 submissions from 2 submitters: Uncertain significance (2). Last evaluated 2025-02-01.

gnomAD v4.1: 4 of 1,613,952 alleles (0.00025%); highest among the groups gnomAD compares: Non-Finnish European, 0.00034%; no homozygotes.

Submissions (2):

Mayo Clinic Laboratories, Mayo Clinic
Classification: Uncertain significance. Last evaluated: 2025-02-01. Review status: criteria provided, single submitter. Criteria: ACMG Guidelines, 2015. Collection method: clinical testing. Allele origin: germline. Observed: 1 variant allele.
Comment: BP4

Labcorp Genetics (formerly Invitae), Labcorp
Classification: Uncertain significance. Last evaluated: 2023-07-14. Review status: criteria provided, single submitter. Criteria: Invitae Variant Classification Sherloc (09022015). Collection method: clinical testing. Allele origin: germline.
Comment: Advanced modeling of protein sequence and biophysical properties (such as structural, functional, and spatial information, amino acid conservation, physicochemical variation, residue mobility, and thermodynamic stability) has been performed at Invitae for this missense variant, however the output from this modeling did not meet the statistical confidence thresholds required to predict the impact of this variant on CD46 protein function. In summary, the available evidence is currently insufficient to determine the role of this variant in disease. Therefore, it has been classified as a Variant of Uncertain Significance. This variant has not been reported in the literature in individuals affected with CD46-related conditions. This variant is not present in population databases (gnomAD no frequency). This sequence change replaces histidine, which is basic and polar, with arginine, which is basic and polar, at codon 84 of the CD46 protein (p.His84Arg).

NM_172351.3(CD46):c.251A>G (p.His84Arg)

Gene: CD46 (CD46 molecule; plus strand). Cytogenetic location: 1q32.2.
Variant type: single nucleotide variant.
Coding change: c.251A>G on transcript NM_172351.3 (MANE Select); coding-DNA position 251, A replaced by G.
Protein change: p.His84Arg; replaces histidine 84 with arginine.
Molecular consequence: missense variant.
Genome position (GRCh38, 1-based): chr1:207,757,167, A>G. VCF-style: chr1-207757167-A-G. GRCh37 (hg19) VCF-style: chr1-207930512-A-G.
Other names: p.His84Arg; c.251A>G, p.His84Arg (NM_002389.4, NM_153826.4, NM_172350.3 and 8 more transcripts); short protein forms H84R.
Identifiers: ClinVar variation 2799169 (VCV002799169.4), dbSNP rs1047780483, ClinGen allele CA344548237.